The following is an entry in ClinVar:

ClinVar aggregate classification (germline): Likely benign (1 of 4 stars; one submission).

Allele frequency attached by ClinVar (database versions not stated): gnomAD exomes 0.00005; ExAC 0.00006; TOPMed 0.00006; gnomAD 0.00007; ESP Exome Variant Server 0.00008.
gnomAD v4.1: 93 of 1,608,334 alleles (0.0058%); highest among the groups gnomAD compares: Middle Eastern, 0.033%; no homozygotes.

Submission:

CeGaT Center for Human Genetics Tuebingen
Classification: Likely benign. Last evaluated: 2023-03-01. Review status: criteria provided, single submitter. Criteria: CeGaT Center For Human Genetics Tuebingen Variant Classification Criteria Version 2. Collection method: clinical testing. Allele origin: germline. Affected: yes. Observed: 1 variant allele.
Comment: PDS5B: BP4, BP7

NM_015032.4(PDS5B):c.4308T>C (p.Asn1436=)

Gene: PDS5B (PDS5 cohesin associated factor B; plus strand). Cytogenetic location: 13q13.1.
Variant type: single nucleotide variant.
Coding change: c.4308T>C on transcript NM_015032.4 (MANE Select); coding-DNA position 4308, T replaced by C.
Protein change: p.Asn1436=; no amino-acid change (asparagine 1436 retained).
Molecular consequence: synonymous variant.
Genome position (GRCh38, 1-based): chr13:32,773,324, T>C. VCF-style: chr13-32773324-T-C. GRCh37 (hg19) VCF-style: chr13-33347462-T-C.
Identifiers: ClinVar variation 2643733 (VCV002643733.24), dbSNP rs371640955, ClinGen allele CA6943775.